The following is an entry in ClinVar:

NM_003749.3(IRS2):c.2081CCG[7] (p.Ala701del)

Gene: IRS2 (insulin receptor substrate 2; minus strand). Cytogenetic location: 13q34.
Variant type: Microsatellite.
Coding change: c.2081CCG[7] on transcript NM_003749.3 (MANE Select); seven copies in a row of the 3-base unit CCG starting at c.2081; the reference has eight copies in a row; one copy, 3 bases deleted.
Protein change: p.Ala701del; deletes alanine 701.
Genome position (GRCh38, 1-based): chr13:109,783,950-109,783,952, CGG deleted on the plus strand (CCG on the coding strand, the reverse complement: IRS2 is on the minus strand); deleting any 3 consecutive bases within chr13:109,783,950-109,783,974 gives the same sequence; the position shown is the placement nearest the transcript's 3' end. VCF-style (leftmost placement, unchanged base first): chr13-109783949-ACGG-A. GRCh37 (hg19) VCF-style: chr13-110436296-ACGG-A.
Other names: short protein forms A701del.
Identifiers: ClinVar variation 3055776 (VCV003055776.2), dbSNP rs34412495, ClinGen allele CA7046425.

ClinVar aggregate classification (germline): Benign (0 of 4 stars; one submission).

Conditions:
IRS2-related disorder. Also called: IRS2-related condition.

Submission:

PreventionGenetics, part of Exact Sciences
Classification: Benign for IRS2-related condition. Last evaluated: 2019-09-19. Review status: no assertion criteria provided. Collection method: clinical testing. Allele origin: germline.
Comment: This variant is classified as benign based on ACMG/AMP sequence variant interpretation guidelines (Richards et al. 2015 PMID: 25741868, with internal and published modifications).